The following is an entry in ClinVar:

ClinVar aggregate classification (germline): Benign/Likely benign. Review status: criteria provided, multiple submitters, no conflicts (2 of 4 stars). 8 submissions from 8 submitters: Benign (6); Likely benign (1). 1 of the submissions does not count toward it. Last evaluated 2026-02-01.

Conditions:
Joubert syndrome 17 (JBTS17). Identifiers: Orphanet 475, MedGen C3553264, MONDO:0013824, OMIM 614615.

Allele frequency attached by ClinVar (database versions not stated): gnomAD exomes 0.00134 and 0.00289; ExAC 0.00531; gnomAD 0.01361 and 0.01450; ESP Exome Variant Server 0.01449; TOPMed 0.01552; 1000 Genomes Project 0.01657; 1000 Genomes Project 30x 0.01811.
gnomAD v4.1: 4,032 of 1,549,232 alleles (0.26%); highest among the groups gnomAD compares: African/African-American, 4.8%; 85 homozygotes.

Submissions (8):

Labcorp Genetics (formerly Invitae), Labcorp
Classification: Benign. Last evaluated: 2026-02-01. Review status: criteria provided, single submitter. Criteria: Invitae Variant Classification Sherloc (09022015). Collection method: clinical testing. Allele origin: germline.

Blueprint Genetics
Classification: Likely benign. Last evaluated: 2024-11-12. Review status: criteria provided, single submitter. Criteria: ACMG Guidelines, 2015. Collection method: clinical testing. Allele origin: germline.

Illumina Laboratory Services, Illumina
Classification: Benign for Joubert syndrome 17. Last evaluated: 2018-01-12. Review status: criteria provided, single submitter. Criteria: ICSL Variant Classification Criteria 13 December 2019. Collection method: clinical testing. Allele origin: germline.
Comment: This variant was observed in the ICSL laboratory as part of a predisposition screen in an ostensibly healthy population. It had not been previously curated by ICSL or reported in the Human Gene Mutation Database (HGMD: prior to June 1st, 2018), and was therefore a candidate for classification through an automated scoring system. Utilizing variant allele frequency, disease prevalence and penetrance estimates, and inheritance mode, an automated score was calculated to assess if this variant is too frequent to cause the disease. Based on the score and internal cut-off values, a variant classified as benign is not then subjected to further curation. The score for this variant resulted in a classification of benign for this disease.

GeneDx
Classification: Benign. Last evaluated: 2017-05-11. Review status: criteria provided, single submitter. Criteria: GeneDx Variant Classification (06012015). Collection method: clinical testing. Allele origin: germline. Affected: yes.
Comment: This variant is considered likely benign or benign based on one or more of the following criteria: it is a conservative change, it occurs at a poorly conserved position in the protein, it is predicted to be benign by multiple in silico algorithms, and/or has population frequency not consistent with disease.

Eurofins Ntd Llc (ga)
Classification: Benign. Last evaluated: 2015-10-20. Review status: criteria provided, single submitter. Criteria: EGL Classification Definitions 2015. Collection method: clinical testing. Allele origin: germline. Observed: 1 variant allele, 1 heterozygote.

Breakthrough Genomics
Classification: Benign. Review status: criteria provided, single submitter. Criteria: ACMG Guidelines, 2015. Collection method: not provided. Allele origin: germline. Inheritance: Autosomal recessive inheritance. Affected: yes.

PreventionGenetics, part of Exact Sciences
Classification: Benign. Review status: criteria provided, single submitter. Criteria: ACMG Guidelines, 2015. Collection method: clinical testing. Allele origin: germline.

Genetic Services Laboratory, University of Chicago
Classification: Likely benign. Review status: no assertion criteria provided. Collection method: clinical testing. Allele origin: germline. Inheritance: Autosomal recessive inheritance. Not counted in ClinVar's aggregate classification.
Comment: Likely benign based on allele frequency in 1000 Genomes Project or ESP global frequency and its presence in a patient with a rare or unrelated disease phenotype. NOT Sanger confirmed

NM_001384732.1(CPLANE1):c.1125A>G (p.Pro375=)

Gene: CPLANE1 (ciliogenesis and planar polarity effector complex subunit 1; minus strand). Cytogenetic location: 5p13.2.
Variant type: single nucleotide variant.
Coding change: c.1125A>G on transcript NM_001384732.1 (MANE Select); coding-DNA position 1125, A replaced by G.
Protein change: p.Pro375=; no amino-acid change (proline 375 retained).
Molecular consequence: synonymous variant.
Genome position (GRCh38, 1-based): chr5:37,227,814, T>C on the plus strand (A>G on the coding strand, the complement: CPLANE1 is on the minus strand). VCF-style: chr5-37227814-T-C. GRCh37 (hg19) VCF-style: chr5-37227916-T-C.
Other names: c.1125A>G, p.Pro375= (NM_023073.4).
Identifiers: ClinVar variation 158026 (VCV000158026.26), dbSNP rs61745362, ClinGen allele CA171418.